The following is an entry in ClinVar:

ClinVar aggregate classification (germline): Pathogenic/Likely pathogenic. Review status: criteria provided, multiple submitters, no conflicts (2 of 4 stars). 2 submissions from 2 submitters: Pathogenic (1); Likely pathogenic (1). Last evaluated 2024-05-23.

Conditions:
Usher syndrome type 1D (USH1D). Also called: USHER SYNDROME, TYPE ID. Identifiers: Orphanet 231169, Orphanet 886, MedGen C1832845, MONDO:0010984, OMIM 601067.
Usher syndrome type 1F (USH1F). Also called: USHER SYNDROME, TYPE IF. Identifiers: Orphanet 231169, Orphanet 886, MedGen C1865885, MONDO:0011186, OMIM 602083.
Autosomal recessive nonsyndromic hearing loss 23. Identifiers: Orphanet 90636, MedGen C1836027, MONDO:0012293, OMIM 609533.

Submissions (2):

Fulgent Genetics
Classification: Likely pathogenic for Usher syndrome type 1D; Usher syndrome type 1F; Autosomal recessive nonsyndromic hearing loss 23. Last evaluated: 2024-05-23. Review status: criteria provided, single submitter. Criteria: ACMG Guidelines, 2015. Collection method: clinical testing. Allele origin: germline.

Labcorp Genetics (formerly Invitae), Labcorp
Classification: Pathogenic. Last evaluated: 2023-01-21. Review status: criteria provided, single submitter. Criteria: Invitae Variant Classification Sherloc (09022015). Collection method: clinical testing. Allele origin: germline.
Comment: For these reasons, this variant has been classified as Pathogenic. Algorithms developed to predict the effect of sequence changes on RNA splicing suggest that this variant may create or strengthen a splice site. This variant has not been reported in the literature in individuals affected with PCDH15-related conditions. This variant is not present in population databases (gnomAD no frequency). This sequence change creates a premature translational stop signal (p.Tyr1090*) in the PCDH15 gene. It is expected to result in an absent or disrupted protein product. Loss-of-function variants in PCDH15 are known to be pathogenic (PMID: 11398101, 11487575, 14570705).

Literature cited by the submitters: PubMed 11398101 (cited by Labcorp Genetics (formerly Invitae), Labcorp); PubMed 11487575 (cited by Labcorp Genetics (formerly Invitae), Labcorp); PubMed 14570705 (cited by Labcorp Genetics (formerly Invitae), Labcorp).

NM_001384140.1(PCDH15):c.3270T>G (p.Tyr1090Ter)

Gene: PCDH15 (protocadherin related 15; minus strand). Cytogenetic location: 10q21.1.
Variant type: single nucleotide variant.
Coding change: c.3270T>G on transcript NM_001384140.1 (MANE Select); coding-DNA position 3270, T replaced by G.
Protein change: p.Tyr1090Ter; replaces tyrosine 1090 with a stop codon.
Molecular consequence: nonsense.
Genome position (GRCh38, 1-based): chr10:53,938,918, A>C on the plus strand (T>G on the coding strand, the complement: PCDH15 is on the minus strand). VCF-style: chr10-53938918-A-C. GRCh37 (hg19) VCF-style: chr10-55698678-A-C.
Other names: c.3285T>G, p.Tyr1095Ter (NM_001142763.2, NM_001142771.2); c.3270T>G, p.Tyr1090Ter (NM_001142764.2, NM_001142766.2, NM_001142770.3 and 4 more transcripts); c.3057T>G, p.Tyr1019Ter (NM_001142765.2); c.3159T>G, p.Tyr1053Ter (NM_001142767.2); c.3204T>G, p.Tyr1068Ter (NM_001142768.2, NM_001142773.2, NM_001354404.2); c.3306T>G, p.Tyr1102Ter (NM_001142769.4); c.3291T>G, p.Tyr1097Ter (NM_001354411.2); short protein forms Y1068*, Y1090*, Y1019*, Y1053*, Y1097*, Y1102*, Y1095*.
Identifiers: ClinVar variation 2830736 (VCV002830736.4), dbSNP rs1405076980, ClinGen allele CA376516334.